The following is an entry in ClinVar:

ClinVar aggregate classification (germline): Uncertain significance (1 of 4 stars; one submission).

Allele frequency attached by ClinVar (database versions not stated): gnomAD exomes below 0.00001; gnomAD 0.00002.
gnomAD v4.1: 7 of 1,206,886 alleles (0.00058%); highest among the groups gnomAD compares: Non-Finnish European, 0.00078%; no homozygotes.

Submission:

Labcorp Genetics (formerly Invitae), Labcorp
Classification: Uncertain significance. Last evaluated: 2023-10-20. Review status: criteria provided, single submitter. Criteria: Invitae Variant Classification Sherloc (09022015). Collection method: clinical testing. Allele origin: germline.
Comment: This sequence change replaces threonine, which is neutral and polar, with serine, which is neutral and polar, at codon 384 of the GPR143 protein (p.Thr384Ser). This variant is present in population databases (no rsID available, gnomAD 0.02%). This variant has not been reported in the literature in individuals affected with GPR143-related conditions. An algorithm developed to predict the effect of missense changes on protein structure and function (PolyPhen-2) suggests that this variant is likely to be tolerated. In summary, the available evidence is currently insufficient to determine the role of this variant in disease. Therefore, it has been classified as a Variant of Uncertain Significance.

NM_000273.3(GPR143):c.1151C>G (p.Thr384Ser)

Gene: GPR143 (G protein-coupled receptor 143; minus strand). Cytogenetic location: Xp22.2.
Variant type: single nucleotide variant.
Coding change: c.1151C>G on transcript NM_000273.3 (MANE Select); coding-DNA position 1151, C replaced by G.
Protein change: p.Thr384Ser; replaces threonine 384 with serine.
Molecular consequence: missense variant.
Genome position (GRCh38, 1-based): chrX:9,725,810, G>C on the plus strand (C>G on the coding strand, the complement: GPR143 is on the minus strand). VCF-style: chrX-9725810-G-C. GRCh37 (hg19) VCF-style: chrX-9693850-G-C.
Other names: short protein forms T384S.
Identifiers: ClinVar variation 2880336 (VCV002880336.3), dbSNP rs1156528797, ClinGen allele CA411992409.